The following is an entry in ClinVar:

ClinVar aggregate classification (germline): Uncertain significance (1 of 4 stars; one submission).

Conditions:
Tuberous sclerosis 2 (TSC2). Identifiers: Orphanet 805, MedGen C1860707, MONDO:0013199, OMIM 613254.

Submission:

Labcorp Genetics (formerly Invitae), Labcorp
Classification: Uncertain significance for Tuberous sclerosis 2. Last evaluated: 2022-04-28. Review status: criteria provided, single submitter. Criteria: Invitae Variant Classification Sherloc (09022015). Collection method: clinical testing. Allele origin: germline.
Comment: In summary, the available evidence is currently insufficient to determine the role of this variant in disease. Therefore, it has been classified as a Variant of Uncertain Significance. Algorithms developed to predict the effect of sequence changes on RNA splicing suggest that this variant may create or strengthen a splice site. This variant has not been reported in the literature in individuals affected with TSC2-related conditions. This variant is not present in population databases (gnomAD no frequency). This sequence change falls in intron 41 of the TSC2 gene. It does not directly change the encoded amino acid sequence of the TSC2 protein.

NM_000548.5(TSC2):c.5260-11T>A

Gene: TSC2 (TSC complex subunit 2; plus strand). Cytogenetic location: 16p13.3.
Variant type: single nucleotide variant.
Coding change: c.5260-11T>A on transcript NM_000548.5 (MANE Select); 11 bases into the intron before coding-DNA position 5260, T replaced by A.
Molecular consequence: intron variant.
Genome position (GRCh38, 1-based): chr16:2,088,435, T>A. VCF-style: chr16-2088435-T-A. GRCh37 (hg19) VCF-style: chr16-2138436-T-A.
Other names: c.4528-11T>A (NM_001318831.2); c.4915-11T>A (NM_001318829.2); c.5092-11T>A (NM_001318832.2); c.5191-11T>A (NM_001114382.3); c.5131-11T>A (NM_021055.3); c.5119-11T>A (NM_001370405.1); c.5062-11T>A (NM_001363528.2); c.5128-11T>A (NM_001370404.1); and 2 more.
Identifiers: ClinVar variation 2131503 (VCV002131503.4), dbSNP rs2544508736, ClinGen allele CA2580091177.